The following is an entry in ClinVar:

ClinVar aggregate classification (germline): Likely benign. Review status: criteria provided, multiple submitters, no conflicts (2 of 4 stars). 2 submissions from 2 submitters: Likely benign (2). Last evaluated 2025-10-16.

Allele frequency attached by ClinVar (database versions not stated): gnomAD exomes below 0.00001 and 0.00001; gnomAD 0.00001.
gnomAD v4.1: 12 of 1,570,006 alleles (0.00076%); highest among the groups gnomAD compares: Non-Finnish European, 0.0011%; no homozygotes.

Submissions (2):

Labcorp Genetics (formerly Invitae), Labcorp
Classification: Likely benign. Last evaluated: 2025-10-16. Review status: criteria provided, single submitter. Criteria: Invitae Variant Classification Sherloc (09022015). Collection method: clinical testing. Allele origin: germline.

GeneDx
Classification: Likely benign. Last evaluated: 2017-07-13. Review status: criteria provided, single submitter. Criteria: GeneDx Variant Classification (06012015). Collection method: clinical testing. Allele origin: germline. Affected: yes.
Comment: This variant is considered likely benign or benign based on one or more of the following criteria: it is a conservative change, it occurs at a poorly conserved position in the protein, it is predicted to be benign by multiple in silico algorithms, and/or has population frequency not consistent with disease.

NM_001854.4(COL11A1):c.2556+14A>G

Gene: COL11A1 (collagen type XI alpha 1 chain; minus strand). Cytogenetic location: 1p21.1.
Variant type: single nucleotide variant.
Coding change: c.2556+14A>G on transcript NM_001854.4 (MANE Select); 14 bases into the intron after coding-DNA position 2556, A replaced by G.
Molecular consequence: intron variant.
Genome position (GRCh38, 1-based): chr1:102,984,124, T>C on the plus strand (A>G on the coding strand, the complement: COL11A1 is on the minus strand). VCF-style: chr1-102984124-T-C. GRCh37 (hg19) VCF-style: chr1-103449680-T-C.
Other names: c.2439+14A>G (NM_001190709.2); c.2592+14A>G (NM_080629.3); c.2208+14A>G (NM_080630.4).
Identifiers: ClinVar variation 510779 (VCV000510779.3), dbSNP rs1365339245, ClinGen allele CA524899169.